The following is an entry in ClinVar:

ClinVar aggregate classification (germline): Pathogenic (1 of 4 stars; one submission).

Conditions:
Marfan syndrome (MFS). Also called: MARFAN SYNDROME, TYPE I; Marfan syndrome type 1; Marfan's syndrome; Marfan syndrome, classic; FBN1-Related Marfan Syndrome. Identifiers: Orphanet 284963, Orphanet 558, MedGen C0024796, MONDO:0007947, OMIM 154700.
Familial thoracic aortic aneurysm and aortic dissection (TAAD). Also called: Thoracic aortic aneurysms and dissections. Identifiers: Orphanet 91387, MedGen C4707243, MONDO:0019625.

Submission:

Labcorp Genetics (formerly Invitae), Labcorp
Classification: Pathogenic for Marfan syndrome; Familial thoracic aortic aneurysm and aortic dissection. Last evaluated: 2022-12-03. Review status: criteria provided, single submitter. Criteria: Invitae Variant Classification Sherloc (09022015). Collection method: clinical testing. Allele origin: germline.
Comment: For these reasons, this variant has been classified as Pathogenic. This variant affects a cysteine residue in the EGF-like, TGFBP or hybrid motif domains of FBN1. Cysteine residues are believed to be involved in intramolecular disulfide bridges and have been shown to be important for FBN1 protein structure (PMID: 16905551, 19349279). In addition, missense substitutions affecting cysteine residues within these domains are significantly overrepresented among patients with Marfan syndrome (PMID: 16571647, 17701892). This variant disrupts a region of the FBN1 protein in which other variant(s) (p.Cys996Ser) have been determined to be pathogenic (Invitae). This suggests that this is a clinically significant region of the protein, and that variants that disrupt it are likely to be disease-causing. This variant has not been reported in the literature in individuals affected with FBN1-related conditions. This variant, c.2982_2999del, is a complex sequence change that results in the deletion of 7 and insertion of 1 amino acid(s) in the FBN1 protein (p.Glu994_Asn1000delinsAsp). This variant is not present in population databases (gnomAD no frequency).

Literature cited by the submitters: PubMed 16905551; PubMed 19349279; PubMed 16571647; PubMed 17701892.

NM_000138.5(FBN1):c.2982_2999del (p.Glu994_Asn1000delinsAsp)

Gene: FBN1 (fibrillin 1; minus strand). Cytogenetic location: 15q21.1.
Variant type: Deletion.
Coding change: c.2982_2999del on transcript NM_000138.5 (MANE Select); coding-DNA positions 2982 to 2999, 18 bases deleted (GGAGTGTCCCATGAGAAA).
Protein change: p.Glu994_Asn1000delinsAsp.
Molecular consequence: inframe indel.
Genome position (GRCh38, 1-based): chr15:48,489,934-48,489,951, TTTCTCATGGGACACTCC deleted on the plus strand (GGAGTGTCCCATGAGAAA on the coding strand, the reverse complement: FBN1 is on the minus strand); deleting any 18 consecutive bases within chr15:48,489,934-48,489,952 gives the same sequence; the c. name uses the placement nearest the transcript's 3' end. VCF-style (leftmost placement, unchanged base first): chr15-48489933-ATTTCTCATGGGACACTCC-A. GRCh37 (hg19) VCF-style: chr15-48782130-ATTTCTCATGGGACACTCC-A.
Other names: c.2982_2999del, p.Glu994_Asn1000delinsAsp (NM_001406716.1).
Identifiers: ClinVar variation 2942009 (VCV002942009.3), dbSNP rs2505557986, ClinGen allele CA2740096649.